The following is an entry in ClinVar:

ClinVar aggregate classification (germline): Uncertain significance (1 of 4 stars; one submission).

Submission:

Labcorp Genetics (formerly Invitae), Labcorp
Classification: Uncertain significance. Last evaluated: 2022-09-27. Review status: criteria provided, single submitter. Criteria: Invitae Variant Classification Sherloc (09022015). Collection method: clinical testing. Allele origin: germline.
Comment: In summary, the available evidence is currently insufficient to determine the role of this variant in disease. Therefore, it has been classified as a Variant of Uncertain Significance. Algorithms developed to predict the effect of missense changes on protein structure and function (SIFT, PolyPhen-2, Align-GVGD) all suggest that this variant is likely to be disruptive. This variant has not been reported in the literature in individuals affected with FRAS1-related conditions. This variant is not present in population databases (gnomAD no frequency). This sequence change replaces aspartic acid, which is acidic and polar, with valine, which is neutral and non-polar, at codon 2151 of the FRAS1 protein (p.Asp2151Val).

NM_025074.7(FRAS1):c.6452A>T (p.Asp2151Val)

Gene: FRAS1 (Fraser extracellular matrix complex subunit 1; plus strand). Cytogenetic location: 4q21.21.
Variant type: single nucleotide variant.
Coding change: c.6452A>T on transcript NM_025074.7 (MANE Select); coding-DNA position 6452, A replaced by T.
Protein change: p.Asp2151Val; replaces aspartic acid 2151 with valine.
Molecular consequence: missense variant.
Genome position (GRCh38, 1-based): chr4:78,450,328, A>T. VCF-style: chr4-78450328-A-T. GRCh37 (hg19) VCF-style: chr4-79371482-A-T.
Other names: short protein forms D2151V.
Identifiers: ClinVar variation 1964126 (VCV001964126.5), dbSNP rs1393174424, ClinGen allele CA357395062.
Genomic context (GRCh38, chr4:78,450,328, plus strand): 5'-AGCATGGCAACCTGGAGCAAATTTCTATTAAAGGCCCCATCCGAAGTTTCACCCAGGCAG[A>T]CATTAGCCAAGGTCAGCCAGTTCTCTTCTGCCTACCAGGCTTCCGTGGACTGCACCTACA-3'
Protein context (NP_079350.5, residues 2141-2161): KGPIRSFTQA[Asp2151Val]ISQGHVEYSH